The following is an entry in ClinVar:

ClinVar aggregate classification (germline): Uncertain significance (1 of 4 stars; one submission).

Conditions:
Spastic paraplegia. Identifiers: MedGen C0037772, HP:0001258.

Submission:

Labcorp Genetics (formerly Invitae), Labcorp
Classification: Uncertain significance for Spastic paraplegia. Last evaluated: 2025-05-08. Review status: criteria provided, single submitter. Criteria: Invitae Variant Classification Sherloc (09022015). Collection method: clinical testing. Allele origin: germline.
Comment: This sequence change replaces aspartic acid, which is acidic and polar, with glutamic acid, which is acidic and polar, at codon 433 of the KIF5A protein (p.Asp433Glu). This variant is not present in population databases (gnomAD no frequency). This variant has not been reported in the literature in individuals affected with KIF5A-related conditions. Invitae Evidence Modeling of protein sequence and biophysical properties (such as structural, functional, and spatial information, amino acid conservation, physicochemical variation, residue mobility, and thermodynamic stability) indicates that this missense variant is not expected to disrupt KIF5A protein function with a negative predictive value of 95%. In summary, the available evidence is currently insufficient to determine the role of this variant in disease. Therefore, it has been classified as a Variant of Uncertain Significance.

NM_004984.4(KIF5A):c.1299T>G (p.Asp433Glu)

Gene: KIF5A (kinesin family member 5A; plus strand). Cytogenetic location: 12q13.3.
Variant type: single nucleotide variant.
Coding change: c.1299T>G on transcript NM_004984.4 (MANE Select); coding-DNA position 1299, T replaced by G.
Protein change: p.Asp433Glu; replaces aspartic acid 433 with glutamic acid.
Molecular consequence: missense variant.
Genome position (GRCh38, 1-based): chr12:57,571,326, T>G. VCF-style: chr12-57571326-T-G. GRCh37 (hg19) VCF-style: chr12-57965109-T-G.
Other names: c.1032T>G, p.Asp344Glu (NM_001354705.2); short protein forms D344E, D433E.
Identifiers: ClinVar variation 4776205 (VCV004776205.1).
Genomic context (GRCh38, chr12:57,571,326, plus strand): 5'-CTAAACTGGAAGGAGTAGCTTCCCTTCACCTGTCTTTCCCTGTTGCCTCCAACAGGATGA[T>G]GAAATCAACCAACAAAGCCAACTCATAGAGAAGCTCAAGCAGCAAATGCTGGACCAGGAA-3'
Protein context (NP_004975.2, residues 423-443): RLYKQLDDKD[Asp433Glu]EINQQSQLIE